The following is an entry in ClinVar:

ClinVar aggregate classification (germline): Conflicting classifications of pathogenicity. Review status: criteria provided, conflicting classifications (1 of 4 stars). 2 submissions from 2 submitters: Uncertain significance (1); Likely benign (1). Last evaluated 2025-11-05.

Allele frequency attached by ClinVar (database versions not stated): gnomAD 0.00002; gnomAD exomes 0.00002; TOPMed 0.00004; ExAC 0.00005.
gnomAD v4.1: 32 of 1,605,548 alleles (0.002%); highest among the groups gnomAD compares: Admixed American, 0.04%; no homozygotes.

Submissions (2):

Labcorp Genetics (formerly Invitae), Labcorp
Classification: Uncertain significance. Last evaluated: 2025-11-05. Review status: criteria provided, single submitter. Criteria: Invitae Variant Classification Sherloc (09022015). Collection method: clinical testing. Allele origin: germline.
Comment: This sequence change affects codon 273 of the NPAT mRNA. It is a 'silent' change, meaning that it does not change the encoded amino acid sequence of the NPAT protein. It affects a nucleotide within the consensus splice site. This variant is present in population databases (rs763967156, gnomAD 0.05%). This variant has not been reported in the literature in individuals affected with NPAT-related conditions. ClinVar contains an entry for this variant (Variation ID: 1762402). Algorithms developed to predict the effect of sequence changes on RNA splicing suggest that this variant is not likely to affect RNA splicing. In summary, the available evidence is currently insufficient to determine the role of this variant in disease. Therefore, it has been classified as a Variant of Uncertain Significance.

Ambry Genetics
Classification: Likely benign. Last evaluated: 2024-03-29. Review status: criteria provided, single submitter. Criteria: Ambry Variant Classification Scheme 2023. Collection method: clinical testing. Allele origin: germline.

NM_002519.3(NPAT):c.819T>C (p.Ser273=)

Gene: NPAT (nuclear protein, coactivator of histone transcription; minus strand). Cytogenetic location: 11q22.3.
Variant type: single nucleotide variant.
Coding change: c.819T>C on transcript NM_002519.3 (MANE Select); coding-DNA position 819, T replaced by C.
Protein change: p.Ser273=; no amino-acid change (serine 273 retained).
Molecular consequence: synonymous variant.
Genome position (GRCh38, 1-based): chr11:108,185,319, A>G on the plus strand (T>C on the coding strand, the complement: NPAT is on the minus strand). VCF-style: chr11-108185319-A-G. GRCh37 (hg19) VCF-style: chr11-108056046-A-G.
Other names: c.819T>C, p.Ser273= (NM_001321307.1).
Identifiers: ClinVar variation 1762402 (VCV001762402.6), dbSNP rs763967156, ClinGen allele CA6264169.